The following is an entry in ClinVar:

ClinVar aggregate classification (germline): Uncertain significance. Review status: criteria provided, single submitter (1 of 4 stars). 2 submissions from 2 submitters: Uncertain significance (1). 1 of the submissions does not count toward it. Last evaluated 2022-06-03.

Conditions:
Inborn genetic diseases. Identifiers: MedGen C0950123, MeSH D030342.
Craniofacial dysplasia - osteopenia syndrome. Also called: Hamamy syndrome. Identifiers: Orphanet 314555, MedGen C1970027, MONDO:0012634, OMIM 611174.

Submissions (2):

Ambry Genetics
Classification: Uncertain significance for Inborn genetic diseases. Last evaluated: 2022-06-03. Review status: criteria provided, single submitter. Criteria: Ambry Variant Classification Scheme 2023. Collection method: clinical testing. Allele origin: germline.
Comment: The c.240_242delCTC (p.S81del) alteration is located in exon 1 (coding exon 1) of the IRX5 gene. This alteration consists of an in-frame deletion of 3 nucleotides between nucleotide positions c.240 and c.242, resulting in the deletion of 1 residue. Based on insufficient or conflicting evidence, the clinical significance of this alteration remains unclear.

Baylor Genetics
Classification: Uncertain significance for Craniofacial dysplasia - osteopenia syndrome. Last evaluated: 2016-05-01. Review status: no assertion criteria provided. Collection method: clinical testing. Allele origin: maternal, germline. Inheritance: Autosomal recessive inheritance. Affected: yes. Not counted in ClinVar's aggregate classification.

Literature cited by the submitters: PubMed 27959697 (cited by Ambry Genetics); PubMed 30158690 (cited by Ambry Genetics); PubMed 31555317 (cited by Ambry Genetics).

NM_005853.6(IRX5):c.237CTC[1] (p.Ser81del)

Gene: IRX5 (iroquois homeobox 5; plus strand). Cytogenetic location: 16q12.2.
Variant type: Microsatellite.
Coding change: c.237CTC[1] on transcript NM_005853.6 (MANE Select); one copy of the 3-base unit CTC starting at c.237; the reference has two copies in a row; one copy, 3 bases deleted.
Protein change: p.Ser81del; deletes serine 81.
Molecular consequence: inframe deletion.
Genome position (GRCh38, 1-based): chr16:54,931,438-54,931,440, CTC deleted; deleting any 3 consecutive bases within chr16:54,931,435-54,931,440 gives the same sequence; the position shown is the placement nearest the transcript's 3' end. VCF-style (leftmost placement, unchanged base first): chr16-54931434-TCTC-T. GRCh37 (hg19) VCF-style: chr16-54965346-TCTC-T.
Other names: c.237CTC[1], p.Ser81del (NM_001252197.1); short protein forms S81del.
Identifiers: ClinVar variation 374378 (VCV000374378.2), dbSNP rs776389982, ClinGen allele CA8059129.